The following is an entry in ClinVar:

NM_000179.3(MSH6):c.3980A>C (p.Asn1327Thr)

Gene: MSH6 (mutS homolog 6; plus strand). Cytogenetic location: 2p16.3.
Variant type: single nucleotide variant.
Coding change: c.3980A>C on transcript NM_000179.3 (MANE Select); coding-DNA position 3980, A replaced by C.
Protein change: p.Asn1327Thr; replaces asparagine 1327 with threonine.
Molecular consequence: missense variant.
Genome position (GRCh38, 1-based): chr2:47,806,630, A>C. VCF-style: chr2-47806630-A-C. GRCh37 (hg19) VCF-style: chr2-48033769-A-C.
Other names: c.3116A>C, p.Asn1039Thr (NM_001406803.1); c.3902A>C, p.Asn1301Thr (NM_001406804.1); c.3683A>C, p.Asn1228Thr (NM_001406805.1, NM_001406818.1, NM_001406819.1 and 10 more transcripts); c.3455A>C, p.Asn1152Thr (NM_001406806.1, NM_001406807.1, NM_001406799.1); c.3980A>C, p.Asn1327Thr (NM_001406808.1, NM_001406809.1, NM_001406796.1); c.3074A>C, p.Asn1025Thr (NM_001406811.1, NM_001406812.1, NM_001406814.1 and 6 more transcripts); c.3986A>C, p.Asn1329Thr (NM_001406813.1); c.2414A>C, p.Asn805Thr (NM_001406817.1); and 8 more; short protein forms N1025T, N1301T, N805T, N1152T, N1327T, N254T, N642T, N1228T.
Identifiers: ClinVar variation 1942964 (VCV001942964.7), dbSNP rs780187989, ClinGen allele CA346761575.
Genomic context (GRCh38, chr2:47,806,630, plus strand): 5'-ATCTCCCAGAGGAAGTTATTCAAAAGGGACATAGAAAAGCAAGAGAATTTGAGAAGATGA[A>C]TCAGTCACTACGATTATTTCGGTAACTAACTAACTATAATGGAATTATAACTAACTGACC-3'
Protein context (NP_000170.1, residues 1317-1337): HRKAREFEKM[Asn1327Thr]QSLRLFREVC

ClinVar aggregate classification (germline): Uncertain significance. Review status: criteria provided, multiple submitters, no conflicts (2 of 4 stars). 2 submissions from 2 submitters: Uncertain significance (2). Last evaluated 2022-04-18.

Conditions:
Hereditary cancer-predisposing syndrome. Also called: Tumor predisposition; Hereditary neoplastic syndrome; Neoplastic Syndromes, Hereditary; Hereditary Cancer Syndrome. Identifiers: Orphanet 140162, MedGen C0027672, MeSH D009386, MONDO:0015356.
Hereditary nonpolyposis colorectal neoplasms. Identifiers: MedGen C0009405, MeSH D003123.

gnomAD v4.1: 3 of 1,611,684 alleles (0.00019%); highest among the groups gnomAD compares: South Asian, 0.0022%; no homozygotes.

Submissions (2):

Color Diagnostics, LLC DBA Color Health
Classification: Uncertain significance for Hereditary cancer-predisposing syndrome. Last evaluated: 2022-04-18. Review status: criteria provided, single submitter. Criteria: ACMG Guidelines, 2015. Collection method: clinical testing. Allele origin: germline.
Comment: This missense variant replaces asparagine with threonine at codon 1327 of the MSH6 protein. Computational prediction suggests that this variant may not impact protein structure and function (internally defined REVEL score threshold <= 0.5, PMID: 27666373). To our knowledge, functional studies have not been reported for this variant. This variant has not been reported in individuals affected with hereditary cancer in the literature. This variant has not been identified in the general population by the Genome Aggregation Database (gnomAD). The available evidence is insufficient to determine the role of this variant in disease conclusively. Therefore, this variant is classified as a Variant of Uncertain Significance.

Labcorp Genetics (formerly Invitae), Labcorp
Classification: Uncertain significance for Hereditary nonpolyposis colorectal neoplasms. Last evaluated: 2021-12-24. Review status: criteria provided, single submitter. Criteria: Invitae Variant Classification Sherloc (09022015). Collection method: clinical testing. Allele origin: germline.
Comment: This sequence change replaces asparagine, which is neutral and polar, with threonine, which is neutral and polar, at codon 1327 of the MSH6 protein (p.Asn1327Thr). This variant is not present in population databases (gnomAD no frequency). This variant has not been reported in the literature in individuals affected with MSH6-related conditions. Advanced modeling of protein sequence and biophysical properties (such as structural, functional, and spatial information, amino acid conservation, physicochemical variation, residue mobility, and thermodynamic stability) performed at Invitae indicates that this missense variant is not expected to disrupt MSH6 protein function. In summary, the available evidence is currently insufficient to determine the role of this variant in disease. Therefore, it has been classified as a Variant of Uncertain Significance.